The following is an entry in ClinVar:

NM_004036.5(ADCY3):c.2042C>A (p.Ala681Asp)

Gene: ADCY3 (adenylate cyclase 3; minus strand). Cytogenetic location: 2p23.3.
Variant type: single nucleotide variant.
Coding change: c.2042C>A on transcript NM_004036.5 (MANE Select); coding-DNA position 2042, C replaced by A.
Protein change: p.Ala681Asp; replaces alanine 681 with aspartic acid.
Molecular consequence: missense variant.
Genome position (GRCh38, 1-based): chr2:24,831,675, G>T on the plus strand (C>A on the coding strand, the complement: ADCY3 is on the minus strand). VCF-style: chr2-24831675-G-T. GRCh37 (hg19) VCF-style: chr2-25054544-G-T.
Other names: c.2042C>A (NM_001320613.1); c.2042C>A, p.Ala681Asp (NM_001320613.2, NM_001377129.1, NM_001377130.1 and 1 more transcripts); c.2108C>A, p.Ala703Asp (NM_001377128.1); c.1319C>A, p.Ala440Asp (NM_001377131.1); short protein forms A681D, A440D, A703D.
Identifiers: ClinVar variation 2405251 (VCV002405251.6), dbSNP rs542687384, ClinGen allele CA1553897.
Genomic context (GRCh38, chr2:24,831,675, plus strand): 5'-CACTCACTTCCAGAGGCTTCTGAGCTCAGTAGAAAAGTGCCTCTTACCCGGGGAAAGATG[G>T]CAGCCAGGGAGCAGATGGTCAGGATGAGGAGCAGAATCTCCCCCACCATGAAGGTCACAT-3'
Protein context (NP_004027.2, residues 671-691): LLILTICSLA[Ala681Asp]IFPRAFPKKL

ClinVar aggregate classification (germline): Uncertain significance. Review status: criteria provided, multiple submitters, no conflicts (2 of 4 stars). 2 submissions from 2 submitters: Uncertain significance (2). Last evaluated 2026-07-22.

Conditions:
ADCY3-related disorder. Also called: ADCY3-related condition.
Inborn genetic diseases. Identifiers: MedGen C0950123, MeSH D030342.

Allele frequency attached by ClinVar (database versions not stated): ExAC 0.00001; gnomAD 0.00009; 1000 Genomes Project 30x 0.00016; 1000 Genomes Project 0.00020; TOPMed 0.00036.
gnomAD v4.1: 32 of 1,613,976 alleles (0.002%); highest among the groups gnomAD compares: Admixed American, 0.038%; no homozygotes.

Submissions (2):

PreventionGenetics, part of Exact Sciences
Classification: Uncertain significance for ADCY3-related condition. Last evaluated: 2026-07-22. Review status: criteria provided, single submitter. Criteria: ACMG Guidelines, 2015. Collection method: clinical testing. Allele origin: germline.
Comment: The ADCY3 c.2042C>A variant is predicted to result in the amino acid substitution p.Ala681Asp. This variant was previously reported in at least one individual with cerebral palsy; however, this gene-disease association has not been established, and no additional information was provided to help assess pathogenicity of the variant (Eyk et al. 2019. PubMed ID: 31700678). This variant is reported in 0.0087% of alleles in individuals of Latino descent in gnomAD. At this time, the clinical significance of this variant is uncertain due to the absence of conclusive functional and genetic evidence.

Ambry Genetics
Classification: Uncertain significance for Inborn genetic diseases. Last evaluated: 2022-07-12. Review status: criteria provided, single submitter. Criteria: Ambry Variant Classification Scheme 2023. Collection method: clinical testing. Allele origin: germline.